The following is an entry in ClinVar:

NM_001354930.2(RIPK1):c.901G>C (p.Val301Leu)

Gene: RIPK1 (receptor interacting serine/threonine kinase 1; plus strand). Cytogenetic location: 6p25.2.
Variant type: single nucleotide variant.
Coding change: c.901G>C on transcript NM_001354930.2 (MANE Select); coding-DNA position 901, G replaced by C.
Protein change: p.Val301Leu; replaces valine 301 with leucine.
Molecular consequence: missense variant.
Genome position (GRCh38, 1-based): chr6:3,089,643, G>C. VCF-style: chr6-3089643-G-C. GRCh37 (hg19) VCF-style: chr6-3089877-G-C.
Other names: c.412G>C, p.Val138Leu (NM_001317061.3, NM_001354932.2, NM_001354933.2 and 1 more transcripts); c.763G>C, p.Val255Leu (NM_001354931.2); c.901G>C, p.Val301Leu (NM_003804.6); short protein forms V301L, V138L, V255L.
Identifiers: ClinVar variation 3630759 (VCV003630759.2).
Genomic context (GRCh38, chr6:3,089,643, plus strand): 5'-ATTGAAGAAAAATTTAGGCCTTTTTATTTAAGTCAATTAGAAGAAAGTGTAGAAGAGGAC[G>C]TGAAGAGTTTAAAGGTAGGCAATATAGCAGATGCTCAAAATATTAACATAGCAAAATATA-3'
Protein context (NP_001341859.1, residues 291-311): SQLEESVEED[Val301Leu]KSLKKEYSNE

ClinVar aggregate classification (germline): Uncertain significance (1 of 4 stars; one submission).

gnomAD v4.1: 13 of 1,578,872 alleles (0.00082%); highest among the groups gnomAD compares: Admixed American, 0.019%; no homozygotes.

Submission:

Labcorp Genetics (formerly Invitae), Labcorp
Classification: Uncertain significance. Last evaluated: 2025-08-10. Review status: criteria provided, single submitter. Criteria: Invitae Variant Classification Sherloc (09022015). Collection method: clinical testing. Allele origin: germline.
Comment: This sequence change replaces valine, which is neutral and non-polar, with leucine, which is neutral and non-polar, at codon 301 of the RIPK1 protein (p.Val301Leu). This variant is present in population databases (rs558445528, gnomAD 0.02%). This variant has not been reported in the literature in individuals affected with RIPK1-related conditions. ClinVar contains an entry for this variant (Variation ID: 3630759). An algorithm developed to predict the effect of missense changes on protein structure and function (PolyPhen-2) suggests that this variant is likely to be tolerated. In summary, the available evidence is currently insufficient to determine the role of this variant in disease. Therefore, it has been classified as a Variant of Uncertain Significance.